The following is an entry in ClinVar:

ClinVar aggregate classification (germline): Uncertain significance. Review status: no assertion criteria provided (0 of 4 stars). 2 submissions from 1 submitter: Uncertain significance (1). 1 of the submissions does not count toward it.

Submissions (2):

Richard Lifton Laboratory, Yale University School of Medicine
Classification: Uncertain significance. Review status: no assertion criteria provided. Collection method: not provided. Allele origin: somatic.
Comment: ARHGAP6:p.G559*
ClinVar note: Converted during submission from unknown to Uncertain significance.

Richard Lifton Laboratory, Yale University School of Medicine
Classification: Uncertain significance. Review status: flagged submission. Collection method: not provided. Allele origin: somatic. Not counted in ClinVar's aggregate classification.
ClinVar note: Converted during submission from unknown to Uncertain significance.
ClinVar note: Reason: This record appears to be redundant with a more recent record from the same submitter.
ClinVar note: Notes: SCV000120082 appears to be redundant with SCV000155186.

NM_013427.3(ARHGAP6):c.1675G>T (p.Gly559Ter)

Gene: ARHGAP6 (Rho GTPase activating protein 6; minus strand). Cytogenetic location: Xp22.2.
Variant type: single nucleotide variant.
Coding change: c.1675G>T on transcript NM_013427.3 (MANE Select); coding-DNA position 1675, G replaced by T.
Protein change: p.Gly559Ter; replaces glycine 559 with a stop codon.
Molecular consequence: nonsense. On other transcripts: non-coding transcript variant (1).
Genome position (GRCh38, 1-based): chrX:11,169,639, C>A on the plus strand (G>T on the coding strand, the complement: ARHGAP6 is on the minus strand). VCF-style: chrX-11169639-C-A. GRCh37 (hg19) VCF-style: chrX-11187759-C-A.
Other names: c.1135G>T, p.Gly379Ter (NM_001287242.2); c.1675G>T, p.Gly559Ter (NM_006125.3); c.1066G>T, p.Gly356Ter (NM_013423.3); short protein forms G559*, G379*, G356*.
Identifiers: ClinVar variation 100858 (VCV000100858.2), dbSNP rs483352735, ClinGen allele CA229142.
Genomic context (GRCh38, chrX:11,169,639, plus strand): 5'-CTGAACTCTGAACTGAGAATTCTTTGTCTGATGACTTCTGCTTGTGCAGCAGGTTGGGTC[C>A]AAATATGGTGGCTAAGTTTAGAGATGTCATTTTATTCCCAGTGACCTATAAGAGAACAGA-3'